The following is an entry in ClinVar:

ClinVar aggregate classification (germline): Uncertain significance (1 of 4 stars; one submission).

Allele frequency attached by ClinVar (database versions not stated): gnomAD exomes below 0.00001 and 0.00001; ExAC 0.00001.
gnomAD v4.1: 6 of 1,614,070 alleles (0.00037%); highest among the groups gnomAD compares: South Asian, 0.0066%; no homozygotes.

Submission:

Labcorp Genetics (formerly Invitae), Labcorp
Classification: Uncertain significance. Last evaluated: 2019-12-28. Review status: criteria provided, single submitter. Criteria: Invitae Variant Classification Sherloc (09022015). Collection method: clinical testing. Allele origin: germline.
Comment: This variant has not been reported in the literature in individuals with PDZD7-related conditions. In summary, the available evidence is currently insufficient to determine the role of this variant in disease. Therefore, it has been classified as a Variant of Uncertain Significance. Nucleotide substitutions within the consensus splice site are a relatively common cause of aberrant splicing (PMID: 17576681, 9536098). Experimental studies and prediction algorithms are not available or were not evaluated, and the effect of this variant on mRNA splicing is currently unknown. This variant is present in population databases (rs768585730, ExAC 0.006%). This sequence change falls in intron 4 of the PDZD7 gene. It does not directly change the encoded amino acid sequence of the PDZD7 protein, but it affects a nucleotide within the consensus splice site of the intron.

Literature cited by the submitters: PubMed 17576681; PubMed 9536098.

NM_001195263.2(PDZD7):c.543-3C>T

Gene: PDZD7 (PDZ domain containing 7; minus strand). Cytogenetic location: 10q24.31.
Variant type: single nucleotide variant.
Coding change: c.543-3C>T on transcript NM_001195263.2 (MANE Select); 3 bases into the intron before coding-DNA position 543, C replaced by T.
Molecular consequence: intron variant.
Genome position (GRCh38, 1-based): chr10:101,022,388, G>A on the plus strand (C>T on the coding strand, the complement: PDZD7 is on the minus strand). VCF-style: chr10-101022388-G-A. GRCh37 (hg19) VCF-style: chr10-102782145-G-A.
Other names: c.543-3C>T (NM_024895.5, NM_001351044.2).
Identifiers: ClinVar variation 847685 (VCV000847685.8), dbSNP rs768585730, ClinGen allele CA5654336.